The following is an entry in ClinVar:

NM_000459.5(TEK):c.3278A>G (p.Asn1093Ser)

Gene: TEK (TEK receptor tyrosine kinase; plus strand). Cytogenetic location: 9p21.2.
Variant type: single nucleotide variant.
Coding change: c.3278A>G on transcript NM_000459.5 (MANE Select); coding-DNA position 3278, A replaced by G.
Protein change: p.Asn1093Ser; replaces asparagine 1093 with serine.
Molecular consequence: missense variant.
Genome position (GRCh38, 1-based): chr9:27,228,283, A>G. VCF-style: chr9-27228283-A-G. GRCh37 (hg19) VCF-style: chr9-27228281-A-G.
Other names: c.3149A>G, p.Asn1050Ser (NM_001290077.2); c.2834A>G, p.Asn945Ser (NM_001290078.2); c.3275A>G, p.Asn1092Ser (NM_001375475.1); c.3146A>G, p.Asn1049Ser (NM_001375476.1); short protein forms N1049S, N1050S, N1092S, N1093S, N945S.
Identifiers: ClinVar variation 2572774 (VCV002572774.1), dbSNP rs2489033060, ClinGen allele CA373131083.
Genomic context (GRCh38, chr9:27,228,283, plus strand): 5'-AATGCTGGCGGGAGAAGCCTTATGAGAGGCCATCATTTGCCCAGATATTGGTGTCCTTAA[A>G]CAGAATGTTAGAGGAGCGAAAGGTAAGTATTAAAGTCAGGCAGGAGATCTTTAATTGGAA-3'
Protein context (NP_000450.3, residues 1083-1103): PSFAQILVSL[Asn1093Ser]RMLEERKTYV

ClinVar aggregate classification (germline): Uncertain significance (1 of 4 stars; one submission).

Allele frequency attached by ClinVar (database versions not stated): gnomAD exomes below 0.00001.
gnomAD v4.1: 1 of 1,612,902 alleles (0.000062%); highest among the groups gnomAD compares: Non-Finnish European, 0.000085%; no homozygotes.

Submission:

GeneDx
Classification: Uncertain significance. Last evaluated: 2023-01-16. Review status: criteria provided, single submitter. Criteria: GeneDx Variant Classification Process June 2021. Collection method: clinical testing. Allele origin: germline. Affected: yes.
Comment: Not observed at significant frequency in large population cohorts (gnomAD); In silico analysis supports that this missense variant does not alter protein structure/function; Has not been previously published as pathogenic or benign to our knowledge